The following is an entry in ClinVar:

ClinVar aggregate classification (germline): Uncertain significance (1 of 4 stars; one submission).

Conditions:
SEMA3E-related disorder. Also called: SEMA3E-related condition.

gnomAD v4.1: 1 of 1,614,176 alleles (0.000062%); no homozygotes.

Submission:

PreventionGenetics, part of Exact Sciences
Classification: Uncertain significance for SEMA3E-related condition. Last evaluated: 2024-12-06. Review status: criteria provided, single submitter. Criteria: ACMG Guidelines, 2015. Collection method: clinical testing. Allele origin: germline.
Comment: The SEMA3E c.2243A>G variant is predicted to result in the amino acid substitution p.Lys748Arg. To our knowledge, this variant has not been reported in the literature or in a large population database (gnomAD), indicating this variant is rare. At this time, the clinical significance of this variant is uncertain due to the absence of conclusive functional and genetic evidence.

NM_012431.3(SEMA3E):c.2243A>G (p.Lys748Arg)

Gene: SEMA3E (semaphorin 3E; minus strand). Cytogenetic location: 7q21.11.
Variant type: single nucleotide variant.
Coding change: c.2243A>G on transcript NM_012431.3 (MANE Select); coding-DNA position 2243, A replaced by G.
Protein change: p.Lys748Arg; replaces lysine 748 with arginine.
Molecular consequence: missense variant.
Genome position (GRCh38, 1-based): chr7:83,367,671, T>C on the plus strand (A>G on the coding strand, the complement: SEMA3E is on the minus strand). VCF-style: chr7-83367671-T-C. GRCh37 (hg19) VCF-style: chr7-82996987-T-C.
Other names: c.2063A>G, p.Lys688Arg (NM_001178129.2); short protein forms K688R, K748R.
Identifiers: ClinVar variation 5001257 (VCV005001257.1).